The following is an entry in ClinVar:

NM_001384125.1(BLTP1):c.808C>T (p.Leu270Phe)

Gene: BLTP1 (bridge-like lipid transfer protein family member 1; plus strand). Cytogenetic location: 4q27.
Variant type: single nucleotide variant.
Coding change: c.808C>T on transcript NM_001384125.1 (MANE Select); coding-DNA position 808, C replaced by T.
Protein change: p.Leu270Phe; replaces leucine 270 with phenylalanine.
Molecular consequence: missense variant.
Genome position (GRCh38, 1-based): chr4:122,188,075, C>T. VCF-style: chr4-122188075-C-T. GRCh37 (hg19) VCF-style: chr4-123109230-C-T.
Other names: c.808C>T, p.Leu270Phe (NM_015312.4); short protein forms L270F.
Identifiers: ClinVar variation 1676410 (VCV001676410.2), dbSNP rs1741152009, ClinGen allele CA358057646.

ClinVar aggregate classification (germline): Uncertain significance (1 of 4 stars; one submission).

gnomAD v4.1: 1 of 1,493,632 alleles (0.000067%); highest among the groups gnomAD compares: Non-Finnish European, 0.000089%; no homozygotes.

Submission:

GeneDx
Classification: Uncertain significance. Last evaluated: 2021-10-09. Review status: criteria provided, single submitter. Criteria: GeneDx Variant Classification Process June 2021. Collection method: clinical testing. Allele origin: germline. Affected: yes.
Comment: Not observed at significant frequency in large population cohorts (gnomAD); In silico analysis supports that this missense variant does not alter protein structure/function; Has not been previously published as pathogenic or benign to our knowledge